The following is an entry in ClinVar:

NM_133642.5(LARGE1):c.-83+63217G>C

Gene: LARGE1 (LARGE xylosyl- and glucuronyltransferase 1; minus strand). Cytogenetic location: 22q12.3.
Variant type: single nucleotide variant.
Coding change: c.-83+63217G>C on transcript NM_133642.5 (MANE Select); 63217 bases into the intron after 83 bases upstream of the start codon, G replaced by C.
Molecular consequence: intron variant. On other transcripts: 5 prime UTR variant (4).
Genome position (GRCh38, 1-based): chr22:33,856,778, C>G on the plus strand (G>C on the coding strand, the complement: LARGE1 is on the minus strand). VCF-style: chr22-33856778-C-G. GRCh37 (hg19) VCF-style: chr22-34252766-C-G.
Other names: c.-121G>C (NM_001362949.2, NM_001378624.1, NM_001378625.1 and 1 more transcripts); c.-83+65843G>C (NM_001362953.2); c.-83+65699G>C (NM_001378627.1, NM_001362951.2); c.-83+63217G>C (NM_001378629.1, NM_001378628.1); c.-83+16330G>C (NM_001378626.1).
Identifiers: ClinVar variation 341441 (VCV000341441.5), dbSNP rs114574565, ClinGen allele CA10651220.

ClinVar aggregate classification (germline): Benign. Review status: criteria provided, single submitter (1 of 4 stars). 2 submissions from 1 submitter: Benign (2). Last evaluated 2018-01-13.

Conditions:
Muscular dystrophy-dystroglycanopathy (congenital with brain and eye anomalies), type A6. Also called: MUSCULAR DYSTROPHY-DYSTROGLYCANOPATHY (CONGENITAL WITH BRAIN AND EYE ANOMALIES), TYPE A, 6; WALKER-WARBURG SYNDROME OR MUSCLE-EYE-BRAIN DISEASE, LARGE-RELATED. Identifiers: Orphanet 588, Orphanet 899, MedGen C3150414, MONDO:0013158, OMIM 613154.
Muscular dystrophy-dystroglycanopathy type B6 (MDDGB6). Also called: MUSCULAR DYSTROPHY, CONGENITAL, LARGE-RELATED; MUSCULAR DYSTROPHY, CONGENITAL, TYPE 1D; MUSCULAR DYSTROPHY-DYSTROGLYCANOPATHY (CONGENITAL WITH IMPAIRED INTELLECTUAL DEVELOPMENT), TYPE B, 6. Identifiers: MedGen C1837229, MONDO:0012138, OMIM 608840.

Allele frequency attached by ClinVar (database versions not stated): gnomAD 0.00771 and 0.00831; 1000 Genomes Project 0.00879; TOPMed 0.00900; 1000 Genomes Project 30x 0.00937.

Submissions (2):

Illumina Laboratory Services, Illumina
Classification: Benign for Muscular dystrophy-dystroglycanopathy (congenital with brain and eye anomalies), type A6. Last evaluated: 2018-01-13. Review status: criteria provided, single submitter. Criteria: ICSL Variant Classification Criteria 13 December 2019. Collection method: clinical testing. Allele origin: germline.
Comment: This variant was observed in the ICSL laboratory as part of a predisposition screen in an ostensibly healthy population. It had not been previously curated by ICSL or reported in the Human Gene Mutation Database (HGMD: prior to June 1st, 2018), and was therefore a candidate for classification through an automated scoring system. Utilizing variant allele frequency, disease prevalence and penetrance estimates, and inheritance mode, an automated score was calculated to assess if this variant is too frequent to cause the disease. Based on the score and internal cut-off values, a variant classified as benign is not then subjected to further curation. The score for this variant resulted in a classification of benign for this disease.

Illumina Laboratory Services, Illumina
Classification: Benign for Muscular dystrophy-dystroglycanopathy type B6. Last evaluated: 2018-01-13. Review status: criteria provided, single submitter. Criteria: ICSL Variant Classification Criteria 13 December 2019. Collection method: clinical testing. Allele origin: germline.
Comment: the same text as in the submission from Illumina Laboratory Services, Illumina above.